The following is an entry in ClinVar:

NM_144670.6(A2ML1):c.2568G>A (p.Trp856Ter)

Gene: A2ML1 (alpha-2-macroglobulin like 1; plus strand). Cytogenetic location: 12p13.31.
Variant type: single nucleotide variant.
Coding change: c.2568G>A on transcript NM_144670.6 (MANE Select); coding-DNA position 2568, G replaced by A.
Protein change: p.Trp856Ter; replaces tryptophan 856 with a stop codon.
Molecular consequence: nonsense.
Genome position (GRCh38, 1-based): chr12:8,852,314, G>A. VCF-style: chr12-8852314-G-A. GRCh37 (hg19) VCF-style: chr12-9004910-G-A.
Other names: c.1095G>A, p.Trp365Ter (NM_001282424.3); short protein forms W856*, W365*.
Identifiers: ClinVar variation 841755 (VCV000841755.7), dbSNP rs375977821, ClinGen allele CA6436045.
Genomic context (GRCh38, chr12:8,852,314, plus strand): 5'-ATGGGCAGATTCTCAGACCTCCAGTTGTCTCTGTGCTGATGACGCAAAAACCCACCACTG[G>A]AACATCACAGCTGTCAAATTGGGTAAGAGAGGGAAGTGGTAGACGGGCGAGGAAAGCCAG-3'

ClinVar aggregate classification (germline): Uncertain significance (1 of 4 stars; one submission).

Allele frequency attached by ClinVar (database versions not stated): gnomAD exomes 0.00001 and 0.00004; TOPMed 0.00001; ExAC 0.00002; ESP Exome Variant Server 0.00008.
gnomAD v4.1: 8 of 1,614,102 alleles (0.0005%); highest among the groups gnomAD compares: Admixed American, 0.012%; no homozygotes.

Submission:

Labcorp Genetics (formerly Invitae), Labcorp
Classification: Uncertain significance. Last evaluated: 2024-05-28. Review status: criteria provided, single submitter. Criteria: Invitae Variant Classification Sherloc (09022015). Collection method: clinical testing. Allele origin: germline.
Comment: This sequence change creates a premature translational stop signal (p.Trp856*) in the A2ML1 gene. It is expected to result in an absent or disrupted protein product. However, the current clinical and genetic evidence is not sufficient to establish whether loss-of-function variants in A2ML1 cause disease. This variant is present in population databases (rs375977821, gnomAD 0.02%). This variant has not been reported in the literature in individuals affected with A2ML1-related conditions. ClinVar contains an entry for this variant (Variation ID: 841755). Algorithms developed to predict the effect of sequence changes on RNA splicing suggest that this variant may disrupt the consensus splice site. In summary, the available evidence is currently insufficient to determine the role of this variant in disease. Therefore, it has been classified as a Variant of Uncertain Significance.